The following is an entry in ClinVar:

ClinVar aggregate classification (germline): Likely benign (1 of 4 stars; one submission).

Allele frequency attached by ClinVar (database versions not stated): 1000 Genomes Project 0.00120; 1000 Genomes Project 30x 0.00141; ESP Exome Variant Server 0.00203; TOPMed 0.00210; gnomAD 0.00251; gnomAD exomes 0.00286; ExAC 0.00613.
gnomAD v4.1: 4,432 of 1,578,136 alleles (0.28%); highest among the groups gnomAD compares: South Asian, 0.69%; 17 homozygotes.

Submission:

CeGaT Center for Human Genetics Tuebingen
Classification: Likely benign. Last evaluated: 2024-02-01. Review status: criteria provided, single submitter. Criteria: CeGaT Center For Human Genetics Tuebingen Variant Classification Criteria Version 2. Collection method: clinical testing. Allele origin: germline. Affected: yes. Observed: 2 variant alleles.
Comment: EXD3: BP4, BS2

NM_017820.5(EXD3):c.1714C>T (p.Arg572Cys)

Gene: EXD3 (exonuclease 3'-5' domain containing 3; minus strand). Cytogenetic location: 9q34.3.
Variant type: single nucleotide variant.
Coding change: c.1714C>T on transcript NM_017820.5 (MANE Select); coding-DNA position 1714, C replaced by T.
Protein change: p.Arg572Cys; replaces arginine 572 with cysteine.
Molecular consequence: missense variant.
Genome position (GRCh38, 1-based): chr9:137,349,226, G>A on the plus strand (C>T on the coding strand, the complement: EXD3 is on the minus strand). VCF-style: chr9-137349226-G-A. GRCh37 (hg19) VCF-style: chr9-140243678-G-A.
Other names: short protein forms R572C.
Identifiers: ClinVar variation 2659820 (VCV002659820.24), dbSNP rs200918724, ClinGen allele CA5367916.